The following is an entry in ClinVar:

NM_001083116.3(PRF1):c.888C>G (p.Tyr296Ter)

Gene: PRF1 (perforin 1; minus strand). Cytogenetic location: 10q22.1.
Variant type: single nucleotide variant.
Coding change: c.888C>G on transcript NM_001083116.3 (MANE Select); coding-DNA position 888, C replaced by G.
Protein change: p.Tyr296Ter; replaces tyrosine 296 with a stop codon.
Molecular consequence: nonsense.
Genome position (GRCh38, 1-based): chr10:70,598,833, G>C on the plus strand (C>G on the coding strand, the complement: PRF1 is on the minus strand). VCF-style: chr10-70598833-G-C. GRCh37 (hg19) VCF-style: chr10-72358589-G-C.
Other names: c.888C>G, p.Tyr296Ter (NM_005041.6); short protein forms Y296*.
Identifiers: ClinVar variation 2844361 (VCV002844361.4), dbSNP rs777483971, ClinGen allele CA376958009.
Genomic context (GRCh38, chr10:70,598,833, plus strand): 5'-GAACAGCAGGTCGTTAATGGAGGTGTGATGGCCGCCAACCACTTCCGAGTGGCGCTCCCG[G>C]TAGGTTTGGTGGAAGGAGGCCGTCATCTTGTGCTTCTTCTTCTTCTCCTCACAGGCCTTG-3'

ClinVar aggregate classification (germline): Pathogenic/Likely pathogenic. Review status: criteria provided, multiple submitters, no conflicts (2 of 4 stars). 2 submissions from 2 submitters: Pathogenic (1); Likely pathogenic (1). Last evaluated 2024-02-15.

Conditions:
Familial hemophagocytic lymphohistiocytosis 2 (FHL2). Also called: PRF1-Related Familial Hemophagocytic Lymphohistiocytosis (PRF1-fHLH). Identifiers: Orphanet 540, MedGen C1863727, MONDO:0011337, OMIM 603553.
Aplastic anemia. Identifiers: Orphanet 182040, Orphanet 88, MedGen C0002874, MONDO:0015909, OMIM 609135, HP:0001915.
Lymphoma, non-Hodgkin, familial. Identifiers: MedGen C4721532, MONDO:0011508, OMIM 605027.

Submissions (2):

Fulgent Genetics
Classification: Likely pathogenic for Familial hemophagocytic lymphohistiocytosis 2; Lymphoma, non-Hodgkin, familial; Aplastic anemia. Last evaluated: 2024-02-15. Review status: criteria provided, single submitter. Criteria: ACMG Guidelines, 2015. Collection method: clinical testing. Allele origin: germline.

Labcorp Genetics (formerly Invitae), Labcorp
Classification: Pathogenic for Familial hemophagocytic lymphohistiocytosis 2. Last evaluated: 2023-12-31. Review status: criteria provided, single submitter. Criteria: Invitae Variant Classification Sherloc (09022015). Collection method: clinical testing. Allele origin: germline.
Comment: This sequence change creates a premature translational stop signal (p.Tyr296*) in the PRF1 gene. While this is not anticipated to result in nonsense mediated decay, it is expected to disrupt the last 260 amino acid(s) of the PRF1 protein. This variant is not present in population databases (gnomAD no frequency). This variant has not been reported in the literature in individuals affected with PRF1-related conditions. This variant disrupts a region of the PRF1 protein in which other variant(s) (p.Asp491Asn) have been determined to be pathogenic (PMID: 17477373, 25577959, 33746956). This suggests that this is a clinically significant region of the protein, and that variants that disrupt it are likely to be disease-causing. For these reasons, this variant has been classified as Pathogenic.

Literature cited by the submitters: PubMed 17477373 (cited by Labcorp Genetics (formerly Invitae), Labcorp); PubMed 25577959 (cited by Labcorp Genetics (formerly Invitae), Labcorp); PubMed 33746956 (cited by Labcorp Genetics (formerly Invitae), Labcorp).